The following is an entry in ClinVar:

NM_000051.4(ATM):c.5361A>G (p.Glu1787=)

Gene: ATM (ATM serine/threonine kinase; plus strand). Cytogenetic location: 11q22.3.
Variant type: single nucleotide variant.
Coding change: c.5361A>G on transcript NM_000051.4 (MANE Select); coding-DNA position 5361, A replaced by G.
Protein change: p.Glu1787=; no amino-acid change (glutamic acid 1787 retained).
Molecular consequence: synonymous variant.
Genome position (GRCh38, 1-based): chr11:108,302,894, A>G. VCF-style: chr11-108302894-A-G. GRCh37 (hg19) VCF-style: chr11-108173621-A-G.
Other names: c.5361A>G, p.Glu1787= (NM_001351834.2).
Identifiers: ClinVar variation 3253788 (VCV003253788.1), dbSNP rs2135927925.

ClinVar aggregate classification (germline): Benign (1 of 4 stars; one submission).

Conditions:
Familial cancer of breast. Also called: BREAST CANCER, FAMILIAL; Hereditary breast cancer; hereditary breast carcinoma. Identifiers: Orphanet 227535, MedGen C0346153, MONDO:0016419, OMIM 114480. Disease mechanism: loss of function.

Submission:

Myriad Genetics, Inc.
Classification: Benign for Familial cancer of breast. Last evaluated: 2024-05-23. Review status: criteria provided, single submitter. Criteria: Myriad Autosomal Dominant, Autosomal Recessive and X-Linked Classification Criteria (2023). Collection method: clinical testing. Allele origin: unknown.
Comment: This variant is considered benign. This variant is a silent/synonymous amino acid change and it is not expected to impact splicing.